The following is an entry in ClinVar:

NM_032119.4(ADGRV1):c.11494del (p.Glu3832fs)

Gene: ADGRV1 (adhesion G protein-coupled receptor V1; plus strand). Cytogenetic location: 5q14.3.
Variant type: Deletion.
Coding change: c.11494del on transcript NM_032119.4 (MANE Select); coding-DNA position 11494, one base deleted (G; older notation c.11494delG).
Protein change: p.Glu3832fs; shifts the reading frame from glutamic acid 3832.
Molecular consequence: frameshift variant. On other transcripts: non-coding transcript variant (1).
Genome position (GRCh38, 1-based): chr5:90,755,099, G deleted. VCF-style (leftmost placement, unchanged base first): chr5-90755098-TG-T. GRCh37 (hg19) VCF-style: chr5-90050915-TG-T.
Other names: short protein forms E3832fs.
Identifiers: ClinVar variation 2796478 (VCV002796478.3), dbSNP rs2531632725, ClinGen allele CA2739274842.
Genomic context (GRCh38, chr5:90,755,098, plus strand): 5'-TATTGCCATTCACTTGAGAGCTCAACCCAATTTCTTACTGCATGTCGATAATCAAGCTAC[TG>T]AGAATGAAGATTATGTATTGCAAGAAACAATAATAATAATGAAAGAAAACATAAAAGAAG-3'

ClinVar aggregate classification (germline): Pathogenic (1 of 4 stars; one submission).

Submission:

Labcorp Genetics (formerly Invitae), Labcorp
Classification: Pathogenic. Last evaluated: 2026-01-18. Review status: criteria provided, single submitter. Criteria: Invitae Variant Classification Sherloc (09022015). Collection method: clinical testing. Allele origin: germline.
Comment: This sequence change creates a premature translational stop signal (p.Glu3832Argfs*11) in the ADGRV1 gene. It is expected to result in an absent or disrupted protein product. Loss-of-function variants in ADGRV1 are known to be pathogenic (PMID: 19357117, 22135276, 22147658, 26226137, 30718709, 31047384, 32467589). This variant is not present in population databases (gnomAD no frequency). This variant has not been reported in the literature in individuals affected with ADGRV1-related conditions. ClinVar contains an entry for this variant (Variation ID: 2796478). For these reasons, this variant has been classified as Pathogenic.

Literature cited by the submitters: PubMed 19357117; PubMed 22135276; PubMed 22147658; PubMed 26226137; PubMed 30718709; PubMed 31047384; PubMed 32467589.